The following is an entry in ClinVar:

NM_002968.3(SALL1):c.2986G>A (p.Gly996Ser)

Gene: SALL1 (spalt like transcription factor 1; minus strand). Cytogenetic location: 16q12.1.
Variant type: single nucleotide variant.
Coding change: c.2986G>A on transcript NM_002968.3 (MANE Select); coding-DNA position 2986, G replaced by A.
Protein change: p.Gly996Ser; replaces glycine 996 with serine.
Molecular consequence: missense variant.
Genome position (GRCh38, 1-based): chr16:51,139,236, C>T on the plus strand (G>A on the coding strand, the complement: SALL1 is on the minus strand). VCF-style: chr16-51139236-C-T. GRCh37 (hg19) VCF-style: chr16-51173147-C-T.
Other names: c.2695G>A, p.Gly899Ser (NM_001127892.2); short protein forms G899S, G996S.
Identifiers: ClinVar variation 2498663 (VCV002498663.29), dbSNP rs1469523828, ClinGen allele CA395882765.

ClinVar aggregate classification (germline): Conflicting classifications of pathogenicity. Review status: criteria provided, conflicting classifications (1 of 4 stars). 2 submissions from 2 submitters: Uncertain significance (1); Likely benign (1). Last evaluated 2023-03-01.

Allele frequency attached by ClinVar (database versions not stated): gnomAD 0.00001; gnomAD exomes 0.00002.
gnomAD v4.1: 23 of 1,613,970 alleles (0.0014%); highest among the groups gnomAD compares: Non-Finnish European, 0.0019%; no homozygotes.

Submissions (2):

CeGaT Center for Human Genetics Tuebingen
Classification: Likely benign. Last evaluated: 2023-03-01. Review status: criteria provided, single submitter. Criteria: CeGaT Center For Human Genetics Tuebingen Variant Classification Criteria Version 2. Collection method: clinical testing. Allele origin: germline. Affected: yes. Observed: 1 variant allele.
Comment: SALL1: BS2

Blueprint Genetics
Classification: Uncertain significance. Last evaluated: 2019-04-05. Review status: criteria provided, single submitter. Criteria: ACMG Guidelines, 2015. Collection method: clinical testing. Allele origin: germline.